The following is an entry in ClinVar:

NM_000138.5(FBN1):c.4937G>C (p.Cys1646Ser)

Gene: FBN1 (fibrillin 1; minus strand). Cytogenetic location: 15q21.1.
Variant type: single nucleotide variant.
Coding change: c.4937G>C on transcript NM_000138.5 (MANE Select); coding-DNA position 4937, G replaced by C.
Protein change: p.Cys1646Ser; replaces cysteine 1646 with serine.
Molecular consequence: missense variant.
Genome position (GRCh38, 1-based): chr15:48,465,573, C>G on the plus strand (G>C on the coding strand, the complement: FBN1 is on the minus strand). VCF-style: chr15-48465573-C-G. GRCh37 (hg19) VCF-style: chr15-48757770-C-G.
Other names: c.4937G>C, p.Cys1646Ser (NM_001406716.1); short protein forms C1646S.
Identifiers: ClinVar variation 1744238 (VCV001744238.2), dbSNP rs397515814, ClinGen allele CA392351062.

ClinVar aggregate classification (germline): Likely pathogenic (1 of 4 stars; one submission).

Conditions:
Familial thoracic aortic aneurysm and aortic dissection (TAAD). Also called: Thoracic aortic aneurysms and dissections. Identifiers: Orphanet 91387, MedGen C4707243, MONDO:0019625.

Submission:

Ambry Genetics
Classification: Likely pathogenic for Familial thoracic aortic aneurysm and aortic dissection. Last evaluated: 2019-06-29. Review status: criteria provided, single submitter. Criteria: Ambry Variant Classification Scheme 2023. Collection method: clinical testing. Allele origin: germline.
Comment: The p.C1646S variant (also known as c.4937G>C), located in coding exon 39 of the FBN1 gene, results from a G to C substitution at nucleotide position 4937. The cysteine at codon 1646 is replaced by serine, an amino acid with dissimilar properties. Other alterations affecting the same amino acid, p.C1646R (c.4936T>C) and p.C1646Y (c.4937G>A), have been reported in subjects who had features of Marfan syndrome (Pepe G et al. Mol. Vis., 2007 Nov;13:2242-7; Lerner-Ellis JP et al. Mol. Genet. Metab., 2014 Jun;112:171-6). Based on internal structural assessment, this alteration eliminates a structurally critical disulfide in the structurally sensitive cbEGF-like domain #23. This amino acid position is highly conserved in available vertebrate species. In addition, this alteration is predicted to be deleterious by in silico analysis. Based on the majority of available evidence to date, this variant is likely to be pathogenic.

Literature cited by the submitters: PubMed 18087243; PubMed 24793577.